The following is an entry in ClinVar:

NM_152564.5(VPS13B):c.7734_7746del (p.Gln2578fs)

Gene: VPS13B (vacuolar protein sorting 13 homolog B; plus strand). Cytogenetic location: 8q22.2.
Variant type: Deletion.
Coding change: c.7734_7746del on transcript NM_152564.5 (MANE Select); coding-DNA positions 7734 to 7746, 13 bases deleted (GCATGTAGTCCAT).
Protein change: p.Gln2578fs; shifts the reading frame from glutamine 2578.
Molecular consequence: frameshift variant.
Genome position (GRCh38, 1-based): chr8:99,778,986-99,778,998, GCATGTAGTCCAT deleted. VCF-style (leftmost placement, unchanged base first): chr8-99778985-AGCATGTAGTCCAT-A. GRCh37 (hg19) VCF-style: chr8-100791213-AGCATGTAGTCCAT-A.
Other names: c.7809_7821del, p.Gln2603fs (NM_017890.5); short protein forms Q2603fs, Q2578fs.
Identifiers: ClinVar variation 1380155 (VCV001380155.6), dbSNP rs2130679794, ClinGen allele CA2573143600.

ClinVar aggregate classification (germline): Pathogenic (1 of 4 stars; one submission).

Conditions:
Cohen syndrome (COH1). Also called: Cutis verticis gyrata, retinitis pigmentosa, and sensorineural deafness; PEPPER SYNDROME. Identifiers: Orphanet 193, MedGen C0265223, MONDO:0008999, OMIM 216550.

Submission:

Labcorp Genetics (formerly Invitae), Labcorp
Classification: Pathogenic for Cohen syndrome. Last evaluated: 2022-07-19. Review status: criteria provided, single submitter. Criteria: Invitae Variant Classification Sherloc (09022015). Collection method: clinical testing. Allele origin: germline.
Comment: For these reasons, this variant has been classified as Pathogenic. ClinVar contains an entry for this variant (Variation ID: 1380155). This variant has not been reported in the literature in individuals affected with VPS13B-related conditions. This variant is not present in population databases (gnomAD no frequency). This sequence change creates a premature translational stop signal (p.Gln2603Hisfs*3) in the VPS13B gene. It is expected to result in an absent or disrupted protein product. Loss-of-function variants in VPS13B are known to be pathogenic (PMID: 15141358, 16648375, 20461111).

Literature cited by the submitters: PubMed 15141358; PubMed 16648375; PubMed 20461111.